The following is an entry in ClinVar:

ClinVar aggregate classification (germline): Uncertain significance (1 of 4 stars; one submission).

Conditions:
Cone-rod dystrophy 2 (CORD2). Also called: CONE-ROD RETINAL DYSTROPHY; Cone-rod retinal dystrophy 2. Identifiers: Orphanet 1872, MedGen C3489532, MONDO:0007362, OMIM 120970.
Leber congenital amaurosis 7 (LCA7). Identifiers: Orphanet 65, MedGen C3151192, MONDO:0013449, OMIM 613829.

Allele frequency attached by ClinVar (database versions not stated): TOPMed 0.00001.
gnomAD v4.1: 22 of 1,613,378 alleles (0.0014%); highest among the groups gnomAD compares: Non-Finnish European, 0.0019%; no homozygotes.

Submission:

Labcorp Genetics (formerly Invitae), Labcorp
Classification: Uncertain significance for Cone-rod dystrophy 2; Leber congenital amaurosis 7. Last evaluated: 2023-07-03. Review status: criteria provided, single submitter. Criteria: Invitae Variant Classification Sherloc (09022015). Collection method: clinical testing. Allele origin: germline.
Comment: This missense change has been observed in individual(s) with clinical features of CRX-related conditions (Invitae). This variant is not present in population databases (gnomAD no frequency). This sequence change replaces threonine, which is neutral and polar, with asparagine, which is neutral and polar, at codon 194 of the CRX protein (p.Thr194Asn). ClinVar contains an entry for this variant (Variation ID: 943629). In summary, the available evidence is currently insufficient to determine the role of this variant in disease. Therefore, it has been classified as a Variant of Uncertain Significance. Advanced modeling of protein sequence and biophysical properties (such as structural, functional, and spatial information, amino acid conservation, physicochemical variation, residue mobility, and thermodynamic stability) performed at Invitae indicates that this missense variant is not expected to disrupt CRX protein function.

NM_000554.6(CRX):c.581C>A (p.Thr194Asn)

Gene: CRX (cone-rod homeobox; plus strand). Cytogenetic location: 19q13.33.
Variant type: single nucleotide variant.
Coding change: c.581C>A on transcript NM_000554.6 (MANE Select); coding-DNA position 581, C replaced by A.
Protein change: p.Thr194Asn; replaces threonine 194 with asparagine.
Molecular consequence: missense variant.
Genome position (GRCh38, 1-based): chr19:47,839,648, C>A. VCF-style: chr19-47839648-C-A. GRCh37 (hg19) VCF-style: chr19-48342905-C-A.
Other names: short protein forms T194N.
Identifiers: ClinVar variation 943629 (VCV000943629.9), dbSNP rs774657041, ClinGen allele CA9544523.